The following is an entry in ClinVar:

NM_003079.5(SMARCE1):c.149G>A (p.Arg50Gln)

Gene: SMARCE1 (SWI/SNF related BAF chromatin remodeling complex subunit E1; minus strand). Cytogenetic location: 17q21.2.
Variant type: single nucleotide variant.
Coding change: c.149G>A on transcript NM_003079.5 (MANE Select); coding-DNA position 149, G replaced by A.
Protein change: p.Arg50Gln; replaces arginine 50 with glutamine.
Molecular consequence: missense variant.
Genome position (GRCh38, 1-based): chr17:40,642,462, C>T on the plus strand (G>A on the coding strand, the complement: SMARCE1 is on the minus strand). VCF-style: chr17-40642462-C-T. GRCh37 (hg19) VCF-style: chr17-38798714-C-T.
Other names: short protein forms R50Q.
Identifiers: ClinVar variation 407069 (VCV000407069.14), dbSNP rs1060501394, ClinGen allele CA16615629.

ClinVar aggregate classification (germline): Uncertain significance. Review status: criteria provided, multiple submitters, no conflicts (2 of 4 stars). 2 submissions from 2 submitters: Uncertain significance (2). Last evaluated 2025-11-23.

Conditions:
Hereditary cancer-predisposing syndrome. Also called: Hereditary Cancer Syndrome; Hereditary neoplastic syndrome; Neoplastic Syndromes, Hereditary; Tumor predisposition. Identifiers: Orphanet 140162, MedGen C0027672, MeSH D009386, MONDO:0015356.
Familial meningioma. Also called: Meningioma, familial, susceptibility to. Identifiers: Orphanet 263662, MedGen C3551915, MONDO:0011789, OMIM 607174.

Allele frequency attached by ClinVar (database versions not stated): gnomAD exomes below 0.00001; gnomAD 0.00001.
gnomAD v4.1: 6 of 1,591,314 alleles (0.00038%); highest among the groups gnomAD compares: Non-Finnish European, 0.00043%; no homozygotes.

Submissions (2):

Labcorp Genetics (formerly Invitae), Labcorp
Classification: Uncertain significance for Familial meningioma. Last evaluated: 2025-11-23. Review status: criteria provided, single submitter. Criteria: Invitae Variant Classification Sherloc (09022015). Collection method: clinical testing. Allele origin: germline.
Comment: This sequence change replaces arginine, which is basic and polar, with glutamine, which is neutral and polar, at codon 50 of the SMARCE1 protein (p.Arg50Gln). This variant is not present in population databases (gnomAD no frequency). This variant has not been reported in the literature in individuals affected with SMARCE1-related conditions. ClinVar contains an entry for this variant (Variation ID: 407069). An algorithm developed to predict the effect of missense changes on protein structure and function (PolyPhen-2) suggests that this variant is likely to be tolerated. In summary, the available evidence is currently insufficient to determine the role of this variant in disease. Therefore, it has been classified as a Variant of Uncertain Significance.

Ambry Genetics
Classification: Uncertain significance for Hereditary cancer-predisposing syndrome. Last evaluated: 2025-01-10. Review status: criteria provided, single submitter. Criteria: Ambry Variant Classification Scheme 2023. Collection method: clinical testing. Allele origin: germline.
Comment: The p.R50Q variant (also known as c.149G>A), located in coding exon 3 of the SMARCE1 gene, results from a G to A substitution at nucleotide position 149. The arginine at codon 50 is replaced by glutamine, an amino acid with highly similar properties. This variant was detected in multiple individuals with no reported features of Coffin-Siris syndrome (Ambry internal data). This amino acid position is highly conserved in available vertebrate species. In addition, the in silico prediction for this alteration is inconclusive. Missense and in-frame variants in SMARCE1 are known to cause neurodevelopmental disorders; however, such associations with increased risk of meningiomas are exceedingly rare (Kosho T et al. Am J Med Genet C Semin Med Genet. 2014 Sep;166C(3):262-75; Smith JM et al. Nat Genet. 2013 Mar;45(3):295-8). Based on the supporting evidence, the association of this alteration with meningiomas is unknown; however, the association of this alteration with an increased risk of Coffin-Siris syndrome is unlikely.